The following is an entry in ClinVar:

ClinVar aggregate classification (germline): Pathogenic (1 of 4 stars; one submission).

Conditions:
Peroxisome biogenesis disorder. Identifiers: Orphanet 79189, MedGen C1832200, MONDO:0019234. Disease mechanism: loss of function.

Allele frequency attached by ClinVar (database versions not stated): gnomAD exomes below 0.00001.

Submission:

Labcorp Genetics (formerly Invitae), Labcorp
Classification: Pathogenic for Peroxisome biogenesis disorder. Last evaluated: 2021-01-26. Review status: criteria provided, single submitter. Criteria: Invitae Variant Classification Sherloc (09022015). Collection method: clinical testing. Allele origin: germline.
Comment: This sequence change creates a premature translational stop signal (p.Arg469Glyfs*11) in the PEX6 gene. It is expected to result in an absent or disrupted protein product. Loss-of-function variants in PEX6 are known to be pathogenic (PMID: 8670792, 19877282, 21031596). This variant is not present in population databases (ExAC no frequency). For these reasons, this variant has been classified as Pathogenic. This variant has been observed in individual(s) with clinical features of autosomal recessive Zellweger spectrum disorder (PMID: 19877282).

Literature cited by the submitters: PubMed 8670792; PubMed 19877282; PubMed 21031596.

NM_000287.4(PEX6):c.1404del (p.Arg469fs)

Gene: PEX6 (peroxisomal biogenesis factor 6; minus strand). Cytogenetic location: 6p21.1.
Variant type: Deletion.
Coding change: c.1404del on transcript NM_000287.4 (MANE Select); coding-DNA position 1404, one base deleted (A; older notation c.1404delA).
Protein change: p.Arg469fs; shifts the reading frame from arginine 469.
Molecular consequence: frameshift variant. On other transcripts: non-coding transcript variant (1).
Genome position (GRCh38, 1-based): chr6:42,968,949, T deleted on the plus strand (A on the coding strand, the reverse complement: PEX6 is on the minus strand). VCF-style (leftmost placement, unchanged base first): chr6-42968948-GT-G. GRCh37 (hg19) VCF-style: chr6-42936686-GT-G.
Other names: c.1140del, p.Arg381fs (NM_001316313.2); short protein forms R381fs, R469fs.
Identifiers: ClinVar variation 1459247 (VCV001459247.8), dbSNP rs267608218, ClinGen allele CA138227017.
Genomic context (GRCh38, chr6:42,968,948, plus strand): 5'-GCCCAAGGTGACTACAGGCAGCAGCAACTACTGTGGTCTTCCCACAGCCTGGGGGGCCCC[GT>G]AGAAGGACACTGCTAGTTCCTGTCAGCAGGGCACCCCTGCAACCAGAGAACAGACATTCG-3'